The following is an entry in ClinVar:

ClinVar aggregate classification (germline): Uncertain significance (1 of 4 stars; one submission).

Submission:

Dasa
Classification: Uncertain significance. Last evaluated: 2025-10-30. Review status: criteria provided, single submitter. Criteria: DASA Assertion Criteria. Collection method: clinical testing. Allele origin: germline.
Comment: NM_003024.3(ITSN1):c.1477G>A (p.Glu493Lys) is a missense variant that results in the substitution of glutamic acid with lysine. This variant is absent from population databases. The currently available literature and clinical evidence are not sufficient to establish a definitive association between this variant and the reported condition. Therefore, this variant is classified as a variant of uncertain significance.

NM_003024.3(ITSN1):c.1477G>A (p.Glu493Lys)

Gene: ITSN1 (intersectin 1; plus strand). Cytogenetic location: 21q22.11.
Variant type: single nucleotide variant.
Coding change: c.1477G>A on transcript NM_003024.3 (MANE Select); coding-DNA position 1477, G replaced by A.
Protein change: p.Glu493Lys; replaces glutamic acid 493 with lysine.
Molecular consequence: missense variant.
Genome position (GRCh38, 1-based): chr21:33,774,989, G>A. VCF-style: chr21-33774989-G-A. GRCh37 (hg19) VCF-style: chr21-35147293-G-A.
Other names: c.1477G>A, p.Glu493Lys (NM_001001132.2, NM_001331008.2, NM_001331009.2 and 2 more transcripts); c.1366G>A, p.Glu456Lys (NM_001331012.2); short protein forms E456K, E493K.
Identifiers: ClinVar variation 5020815 (VCV005020815.1).
Genomic context (GRCh38, chr21:33,774,989, plus strand): 5'-AAAACAGTAATAATTTTTATTATCTTTCATTTGTTCAAGAATGATAAAAAGCATCAACTA[G>A]AAGGGAAACTTCAAGATATCAGATGTCGATTGACCACCCAAAGGCAAGAAATTGAGAGCA-3'
Protein context (NP_003015.2, residues 483-503): EALNDKKHQL[Glu493Lys]GKLQDIRCRL